The following is an entry in ClinVar:

ClinVar aggregate classification (germline): Uncertain significance (1 of 4 stars; one submission).

Allele frequency attached by ClinVar (database versions not stated): TOPMed below 0.00001; ExAC 0.00001.
gnomAD v4.1: 5 of 1,462,242 alleles (0.00034%); highest among the groups gnomAD compares: Non-Finnish European, 0.00045%; no homozygotes.

Submission:

Labcorp Genetics (formerly Invitae), Labcorp
Classification: Uncertain significance. Last evaluated: 2021-12-27. Review status: criteria provided, single submitter. Criteria: Invitae Variant Classification Sherloc (09022015). Collection method: clinical testing. Allele origin: germline.
Comment: In summary, the available evidence is currently insufficient to determine the role of this variant in disease. Therefore, it has been classified as a Variant of Uncertain Significance. Algorithms developed to predict the effect of missense changes on protein structure and function are either unavailable or do not agree on the potential impact of this missense change (SIFT: "Tolerated"; PolyPhen-2: "Probably Damaging"; Align-GVGD: "Class C0"). This variant has not been reported in the literature in individuals affected with RUSC2-related conditions. The frequency data for this variant in the population databases is considered unreliable, as metrics indicate poor data quality at this position in the gnomAD database. This sequence change replaces proline, which is neutral and non-polar, with glutamine, which is neutral and polar, at codon 5 of the RUSC2 protein (p.Pro5Gln).

NM_014806.5(RUSC2):c.14C>A (p.Pro5Gln)

Gene: RUSC2 (RUN and SH3 domain containing 2; plus strand). Cytogenetic location: 9p13.3.
Variant type: single nucleotide variant.
Coding change: c.14C>A on transcript NM_014806.5 (MANE Select); coding-DNA position 14, C replaced by A.
Protein change: p.Pro5Gln; replaces proline 5 with glutamine.
Molecular consequence: missense variant. On other transcripts: non-coding transcript variant (1), intron variant (1).
Genome position (GRCh38, 1-based): chr9:35,546,535, C>A. VCF-style: chr9-35546535-C-A. GRCh37 (hg19) VCF-style: chr9-35546532-C-A.
Other names: c.14C>A, p.Pro5Gln (NM_001135999.2); c.-620-8525C>A (NM_001330740.2); short protein forms P5Q.
Identifiers: ClinVar variation 1952680 (VCV001952680.5), dbSNP rs749727740, ClinGen allele CA5043387.
Genomic context (GRCh38, chr9:35,546,535, plus strand): 5'-AGGGACAGTGTCTGGTGCTGTTGAAGCCCTTATTCGAACTTTCCAGAATGGATAGTCCCC[C>A]AAAGCTGACTGGAGAGACCCTCATCGTTCATCACATCCCCCTGGTGCACTGCCAAGTCCC-3'
Protein context (NP_055621.2, residues 1-15): MDSP[Pro5Gln]KLTGETLIVH